The following is an entry in ClinVar:

NM_000465.4(BARD1):c.2131A>G (p.Ser711Gly)

Gene: BARD1 (BRCA1 associated RING domain 1; minus strand). Cytogenetic location: 2q35.
Variant type: single nucleotide variant.
Coding change: c.2131A>G on transcript NM_000465.4 (MANE Select); coding-DNA position 2131, A replaced by G.
Protein change: p.Ser711Gly; replaces serine 711 with glycine.
Molecular consequence: missense variant. On other transcripts: non-coding transcript variant (3).
Genome position (GRCh38, 1-based): chr2:214,728,879, T>C on the plus strand (A>G on the coding strand, the complement: BARD1 is on the minus strand). VCF-style: chr2-214728879-T-C. GRCh37 (hg19) VCF-style: chr2-215593603-T-C.
Other names: c.2074A>G, p.Ser692Gly (NM_001282543.2); c.778A>G, p.Ser260Gly (NM_001282545.2); c.721A>G, p.Ser241Gly (NM_001282548.2); c.592A>G, p.Ser198Gly (NM_001282549.2); short protein forms S711G, S198G, S692G, S241G, S260G.
Identifiers: ClinVar variation 460738 (VCV000460738.17), dbSNP rs564838936, ClinGen allele CA2090076.

ClinVar aggregate classification (germline): Uncertain significance. Review status: criteria provided, multiple submitters, no conflicts (2 of 4 stars). 4 submissions from 4 submitters: Uncertain significance (4). Last evaluated 2026-01-28.

Conditions:
Hereditary cancer-predisposing syndrome. Also called: Neoplastic Syndromes, Hereditary; Tumor predisposition; Hereditary Cancer Syndrome; Hereditary neoplastic syndrome. Identifiers: Orphanet 140162, MedGen C0027672, MeSH D009386, MONDO:0015356.
Familial cancer of breast. Also called: BREAST CANCER, FAMILIAL; hereditary breast carcinoma; Hereditary breast cancer. Identifiers: Orphanet 227535, MedGen C0346153, MONDO:0016419, OMIM 114480. Disease mechanism: loss of function.

Allele frequency attached by ClinVar (database versions not stated): gnomAD exomes below 0.00001 and 0.00001; gnomAD 0.00001; ExAC 0.00002; 1000 Genomes Project 30x 0.00016; 1000 Genomes Project 0.00020.
gnomAD v4.1: 7 of 1,614,226 alleles (0.00043%); highest among the groups gnomAD compares: South Asian, 0.0077%; 1 homozygote.

Submissions (4):

Labcorp Genetics (formerly Invitae), Labcorp
Classification: Uncertain significance for Familial cancer of breast. Last evaluated: 2026-01-28. Review status: criteria provided, single submitter. Criteria: Invitae Variant Classification Sherloc (09022015). Collection method: clinical testing. Allele origin: germline.
Comment: This sequence change replaces serine, which is neutral and polar, with glycine, which is neutral and non-polar, at codon 711 of the BARD1 protein (p.Ser711Gly). This variant is present in population databases (rs564838936, gnomAD 0.006%). This variant has not been reported in the literature in individuals affected with BARD1-related conditions. ClinVar contains an entry for this variant (Variation ID: 460738). An algorithm developed to predict the effect of missense changes on protein structure and function (PolyPhen-2) suggests that this variant is likely to be disruptive. In summary, the available evidence is currently insufficient to determine the role of this variant in disease. Therefore, it has been classified as a Variant of Uncertain Significance.

Ambry Genetics
Classification: Uncertain significance for Hereditary cancer-predisposing syndrome. Last evaluated: 2025-11-25. Review status: criteria provided, single submitter. Criteria: Ambry Variant Classification Scheme 2023. Collection method: clinical testing. Allele origin: germline.
Comment: The p.S711G variant (also known as c.2131A>G), located in coding exon 11 of the BARD1 gene, results from an A to G substitution at nucleotide position 2131. The serine at codon 711 is replaced by glycine, an amino acid with similar properties. This amino acid position is highly conserved in available vertebrate species. In addition, this alteration is predicted to be tolerated by in silico analysis. Since supporting evidence is limited at this time, the clinical significance of this alteration remains unclear.

Baylor Genetics
Classification: Uncertain significance for Familial cancer of breast. Last evaluated: 2024-01-31. Review status: criteria provided, single submitter. Criteria: ACMG Guidelines, 2015. Collection method: clinical testing. Allele origin: unknown.

GeneDx
Classification: Uncertain significance. Last evaluated: 2023-03-24. Review status: criteria provided, single submitter. Criteria: GeneDx Variant Classification Process June 2021. Collection method: clinical testing. Allele origin: germline. Affected: yes.
Comment: Not observed at significant frequency in large population cohorts (gnomAD); In silico analysis supports that this missense variant does not alter protein structure/function; Has not been previously published as pathogenic or benign to our knowledge; This variant is associated with the following publications: (PMID: 17550235, 28202063)